The following is an entry in ClinVar:

ClinVar aggregate classification (germline): Uncertain significance (1 of 4 stars; one submission).

Conditions:
Hereditary cancer-predisposing syndrome. Also called: Neoplastic Syndromes, Hereditary; Hereditary Cancer Syndrome; Hereditary neoplastic syndrome; Tumor predisposition. Identifiers: Orphanet 140162, MedGen C0027672, MeSH D009386, MONDO:0015356.

Submission:

Ambry Genetics
Classification: Uncertain significance for Hereditary cancer-predisposing syndrome. Last evaluated: 2023-06-07. Review status: criteria provided, single submitter. Criteria: Ambry Variant Classification Scheme 2023. Collection method: clinical testing. Allele origin: germline.
Comment: The p.D56A variant (also known as c.167A>C), located in coding exon 2 of the FANCC gene, results from an A to C substitution at nucleotide position 167. The aspartic acid at codon 56 is replaced by alanine, an amino acid with dissimilar properties. This amino acid position is not well conserved in available vertebrate species. In addition, this alteration is predicted to be tolerated by in silico analysis. Since supporting evidence is limited at this time, the clinical significance of this alteration remains unclear.

NM_000136.3(FANCC):c.167A>C (p.Asp56Ala)

Gene: FANCC (FA complementation group C; minus strand). Cytogenetic location: 9q22.32.
Variant type: single nucleotide variant.
Coding change: c.167A>C on transcript NM_000136.3 (MANE Select); coding-DNA position 167, A replaced by C.
Protein change: p.Asp56Ala; replaces aspartic acid 56 with alanine.
Molecular consequence: missense variant.
Genome position (GRCh38, 1-based): chr9:95,247,515, T>G on the plus strand (A>C on the coding strand, the complement: FANCC is on the minus strand). VCF-style: chr9-95247515-T-G. GRCh37 (hg19) VCF-style: chr9-98009797-T-G.
Other names: c.167A>C, p.Asp56Ala (NM_001243743.2, NM_001243744.2); short protein forms D56A.
Identifiers: ClinVar variation 2565552 (VCV002565552.2), dbSNP rs759662786, ClinGen allele CA374340168.